The following is an entry in ClinVar:

ClinVar aggregate classification (germline): Uncertain significance. Review status: criteria provided, multiple submitters, no conflicts (2 of 4 stars). 3 submissions from 3 submitters: Uncertain significance (3). Last evaluated 2025-02-16.

Conditions:
Cardiovascular phenotype. Identifiers: MedGen CN230736.
Long QT syndrome (LQTS). Identifiers: MedGen C0023976, MeSH D008133, MONDO:0002442. Disease mechanism: loss of function. Inheritance: Various modes of inheritance.

Allele frequency attached by ClinVar (database versions not stated): gnomAD exomes 0.00002 and 0.00009; TOPMed 0.00003; gnomAD 0.00004 and 0.00005; ExAC 0.00007.
gnomAD v4.1: 40 of 1,613,230 alleles (0.0025%); highest among the groups gnomAD compares: Admixed American, 0.048%; no homozygotes.

Submissions (3):

Labcorp Genetics (formerly Invitae), Labcorp
Classification: Uncertain significance for Long QT syndrome. Last evaluated: 2025-02-16. Review status: criteria provided, single submitter. Criteria: Invitae Variant Classification Sherloc (09022015). Collection method: clinical testing. Allele origin: germline.
Comment: This sequence change replaces threonine, which is neutral and polar, with alanine, which is neutral and non-polar, at codon 1399 of the AKAP9 protein (p.Thr1399Ala). This variant is present in population databases (rs757261572, gnomAD 0.07%), and has an allele count higher than expected for a pathogenic variant. This variant has not been reported in the literature in individuals affected with AKAP9-related conditions. ClinVar contains an entry for this variant (Variation ID: 439397). An algorithm developed to predict the effect of missense changes on protein structure and function outputs the following: PolyPhen-2: "Benign". The alanine amino acid residue is found in multiple mammalian species, which suggests that this missense change does not adversely affect protein function. In summary, the available evidence is currently insufficient to determine the role of this variant in disease. Therefore, it has been classified as a Variant of Uncertain Significance.

Ambry Genetics
Classification: Uncertain significance for Cardiovascular phenotype. Last evaluated: 2020-10-30. Review status: criteria provided, single submitter. Criteria: Ambry Variant Classification Scheme 2023. Collection method: clinical testing. Allele origin: germline.
Comment: The p.T1399A variant (also known as c.4195A>G), located in coding exon 15 of the AKAP9 gene, results from an A to G substitution at nucleotide position 4195. The threonine at codon 1399 is replaced by alanine, an amino acid with similar properties. This amino acid position is not well conserved in available vertebrate species, and alanine is the reference amino acid in other vertebrate species. In addition, this alteration is predicted to be tolerated by in silico analysis. Since supporting evidence is limited at this time, the clinical significance of this alteration remains unclear.

ARUP Laboratories, Molecular Genetics and Genomics, ARUP Laboratories
Classification: Uncertain significance. Last evaluated: 2016-09-14. Review status: criteria provided, single submitter. Criteria: ARUP Molecular Germline Variant Investigation Process. Collection method: clinical testing. Allele origin: germline.

NM_005751.5(AKAP9):c.4195A>G (p.Thr1399Ala)

Gene: AKAP9 (A-kinase anchoring protein 9; plus strand). Cytogenetic location: 7q21.2.
Variant type: single nucleotide variant.
Coding change: c.4195A>G on transcript NM_005751.5 (MANE Select); coding-DNA position 4195, A replaced by G.
Protein change: p.Thr1399Ala; replaces threonine 1399 with alanine.
Molecular consequence: missense variant.
Genome position (GRCh38, 1-based): chr7:92,029,941, A>G. VCF-style: chr7-92029941-A-G. GRCh37 (hg19) VCF-style: chr7-91659255-A-G.
Other names: c.4195A>G, p.Thr1399Ala (NM_147185.3); short protein forms T1399A.
Identifiers: ClinVar variation 439397 (VCV000439397.15), dbSNP rs757261572, ClinGen allele CA4336505.